The following is an entry in ClinVar:

ClinVar aggregate classification (germline): Uncertain significance. Review status: criteria provided, multiple submitters, no conflicts (2 of 4 stars). 2 submissions from 2 submitters: Uncertain significance (2). Last evaluated 2023-12-14.

Conditions:
Neurodegeneration with brain iron accumulation 6 (NBIA6). Also called: COASY protein-associated neurodegeneration. Identifiers: Orphanet 397725, MedGen C4517377, MONDO:0014290, OMIM 615643.

Allele frequency attached by ClinVar (database versions not stated): ESP Exome Variant Server 0.00008; gnomAD 0.00013; TOPMed 0.00021; gnomAD exomes 0.00041.
gnomAD v4.1: 614 of 1,613,986 alleles (0.038%); highest among the groups gnomAD compares: Non-Finnish European, 0.049%; no homozygotes.

Submissions (2):

Ambry Genetics
Classification: Uncertain significance. Last evaluated: 2023-12-14. Review status: criteria provided, single submitter. Criteria: Ambry Variant Classification Scheme 2023. Collection method: clinical testing. Allele origin: germline.

Labcorp Genetics (formerly Invitae), Labcorp
Classification: Uncertain significance for Neurodegeneration with brain iron accumulation 6. Last evaluated: 2022-06-07. Review status: criteria provided, single submitter. Criteria: Invitae Variant Classification Sherloc (09022015). Collection method: clinical testing. Allele origin: germline.
Comment: This sequence change replaces alanine, which is neutral and non-polar, with valine, which is neutral and non-polar, at codon 311 of the COASY protein (p.Ala311Val). This variant is present in population databases (rs201949834, gnomAD 0.04%). This variant has not been reported in the literature in individuals affected with COASY-related conditions. ClinVar contains an entry for this variant (Variation ID: 581198). Algorithms developed to predict the effect of missense changes on protein structure and function output the following: SIFT: "Tolerated"; PolyPhen-2: "Benign"; Align-GVGD: "Class C0". The valine amino acid residue is found in multiple mammalian species, which suggests that this missense change does not adversely affect protein function. In summary, the available evidence is currently insufficient to determine the role of this variant in disease. Therefore, it has been classified as a Variant of Uncertain Significance.

NM_025233.7(COASY):c.932C>T (p.Ala311Val)

Gene: COASY (Coenzyme A synthase; plus strand). Cytogenetic location: 17q21.2.
Variant type: single nucleotide variant.
Coding change: c.932C>T on transcript NM_025233.7 (MANE Select); coding-DNA position 932, C replaced by T.
Protein change: p.Ala311Val; replaces alanine 311 with valine.
Molecular consequence: missense variant.
Genome position (GRCh38, 1-based): chr17:42,564,462, C>T. VCF-style: chr17-42564462-C-T. GRCh37 (hg19) VCF-style: chr17-40716480-C-T.
Other names: c.932C>T, p.Ala311Val (NM_001042529.3); c.1019C>T, p.Ala340Val (NM_001042532.4); c.1019C>T (NM_001042532.2); short protein forms A311V, A340V.
Identifiers: ClinVar variation 581198 (VCV000581198.5), dbSNP rs201949834, ClinGen allele CA8578149.
Genomic context (GRCh38, chr17:42,564,462, plus strand): 5'-TCACTCCCTCCTTCCCTCTTTTTACCCTTTCCTCTTTACCCCAGGACCTGGAGGAACTTG[C>T]TTTGTACCAGATCCAGCTGCTGAAGGACCTCAGACATACAGAGAATGAAGAGGACAAAGT-3'
Protein context (NP_079509.5, residues 301-321): FRLENDLEEL[Ala311Val]LYQIQLLKDL